The following is an entry in ClinVar:

ClinVar aggregate classification (germline): Uncertain significance. Review status: criteria provided, multiple submitters, no conflicts (2 of 4 stars). 3 submissions from 3 submitters: Uncertain significance (3). Last evaluated 2026-08-20.

Conditions:
Hereditary cancer-predisposing syndrome. Also called: Hereditary Cancer Syndrome; Hereditary neoplastic syndrome; Neoplastic Syndromes, Hereditary; Tumor predisposition. Identifiers: Orphanet 140162, MedGen C0027672, MeSH D009386, MONDO:0015356.
Pheochromocytoma/paraganglioma syndrome 3. Also called: GLOMUS TUMORS, FAMILIAL, 3; Paragangliomas 3; SDHC-Related Hereditary Paraganglioma-Pheochromocytoma Syndrome (Paragangliomas 3); SDHC-Related Hereditary Paraganglioma-Pheochromocytoma Syndrome. Identifiers: Orphanet 29072, MedGen C1854336, MONDO:0011544, OMIM 605373.
Gastrointestinal stromal tumor. Also called: Gastrointestinal stroma tumor; Gastrointestinal stromal tumor, somatic. Identifiers: Orphanet 44890, MedGen C0238198, MeSH D046152, MONDO:0011719, OMIM 606764, HP:0100723.
Hereditary pheochromocytoma and paraganglioma. Also called: Hereditary Paraganglioma-Pheochromocytoma Syndromes; Hereditary pheochromocytoma-paraganglioma; Hereditary paragangliomas and pheochromocytomas. Identifiers: Orphanet 29072, MedGen C4274332, MONDO:0017366.

Allele frequency attached by ClinVar (database versions not stated): TOPMed below 0.00001; gnomAD 0.00001.
gnomAD v4.1: 1 of 1,613,922 alleles (0.000062%); highest among the groups gnomAD compares: Non-Finnish European, 0.000085%; no homozygotes.

Submissions (3):

Ambry Genetics
Classification: Uncertain significance for Hereditary cancer-predisposing syndrome. Last evaluated: 2026-08-20. Review status: criteria provided, single submitter. Criteria: Ambry Variant Classification Scheme 2023. Collection method: clinical testing. Allele origin: germline.
Comment: The p.P93L variant (also known as c.278C>T), located in coding exon 5 of the SDHC gene, results from a C to T substitution at nucleotide position 278. The proline at codon 93 is replaced by leucine, an amino acid with similar properties. This amino acid position is highly conserved in available vertebrate species. In addition, this alteration is predicted to be deleterious by in silico analysis. Based on the available evidence, the clinical significance of this variant remains unclear.

Labcorp Genetics (formerly Invitae), Labcorp
Classification: Uncertain significance for Pheochromocytoma/paraganglioma syndrome 3; Gastrointestinal stromal tumor. Last evaluated: 2025-07-30. Review status: criteria provided, single submitter. Criteria: Invitae Variant Classification Sherloc (09022015). Collection method: clinical testing. Allele origin: germline.
Comment: This sequence change replaces proline, which is neutral and non-polar, with leucine, which is neutral and non-polar, at codon 93 of the SDHC protein (p.Pro93Leu). This variant is not present in population databases (gnomAD no frequency). This variant has not been reported in the literature in individuals affected with SDHC-related conditions. ClinVar contains an entry for this variant (Variation ID: 1796016). An algorithm developed to predict the effect of missense changes on protein structure and function (PolyPhen-2) suggests that this variant is likely to be disruptive. In summary, the available evidence is currently insufficient to determine the role of this variant in disease. Therefore, it has been classified as a Variant of Uncertain Significance.

All of Us Research Program, National Institutes of Health
Classification: Uncertain significance for Hereditary pheochromocytoma and paraganglioma. Last evaluated: 2024-08-06. Review status: criteria provided, single submitter. Criteria: ACMG Guidelines, 2015. Collection method: clinical testing. Allele origin: germline. Inheritance: Autosomal dominant inheritance. Observed: 2 variant alleles, 2 heterozygotes.
Comment: This missense variant replaces proline with leucine at codon 93 of the SDHC protein. Computational prediction suggests that this variant may have deleterious impact on protein structure and function (internally defined REVEL score threshold >= 0.7, PMID: 27666373). To our knowledge, functional studies have not been reported for this variant. This variant has not been reported in individuals affected with SDHC-related disorders in the literature. This variant has not been identified in the general population by the Genome Aggregation Database (gnomAD). The available evidence is insufficient to determine the role of this variant in disease conclusively. Therefore, this variant is classified as a Variant of Uncertain Significance.

This study involves interpretation of variants in research participants for the purpose of population health screening. Participant phenotype was not available at the time of variant classification. Additional details can be found in publication PMID: 35346344, PMCID: PMC8962531

NM_003001.5(SDHC):c.278C>T (p.Pro93Leu)

Gene: SDHC (succinate dehydrogenase complex subunit C; plus strand). Cytogenetic location: 1q23.3.
Variant type: single nucleotide variant.
Coding change: c.278C>T on transcript NM_003001.5 (MANE Select); coding-DNA position 278, C replaced by T.
Protein change: p.Pro93Leu; replaces proline 93 with leucine.
Molecular consequence: missense variant. On other transcripts: non-coding transcript variant (1), intron variant (3).
Genome position (GRCh38, 1-based): chr1:161,356,713, C>T. VCF-style: chr1-161356713-C-T. GRCh37 (hg19) VCF-style: chr1-161326503-C-T.
Other names: c.176C>T, p.Pro59Leu (NM_001035512.3); c.119C>T, p.Pro40Leu (NM_001035513.3); c.398C>T, p.Pro133Leu (NM_001407115.1); c.221C>T, p.Pro74Leu (NM_001407116.1); c.215C>T, p.Pro72Leu (NM_001407117.1); c.170C>T, p.Pro57Leu (NM_001407118.1); c.167C>T, p.Pro56Leu (NM_001407119.1, NM_001407120.1); c.242-5616C>T (NM_001035511.3); and 2 more; short protein forms P57L, P72L, P133L, P40L, P59L, P74L, P93L, P56L.
Identifiers: ClinVar variation 1796016 (VCV001796016.7), dbSNP rs1672286365, ClinGen allele CA343456329.